The following is an entry in ClinVar:

ClinVar aggregate classification (germline): Uncertain significance (1 of 4 stars; one submission).

Conditions:
Split hand-foot malformation 4. Also called: Split-Hand/Foot Malformation Type 4 (SHFM4 syndrome); Split-Hand/Foot Malformation Type 4 (SHFM4). Identifiers: Orphanet 2440, MedGen C1854442, MONDO:0011535, OMIM 605289.

Submission:

Key Laboratory in Science and Technology Development Project of Suzhou (CN), Pediatric Orthopedics, Children’s Hospital of Soochow University
Classification: Uncertain significance for Split hand-foot malformation 4. Last evaluated: 2025-01-06. Review status: criteria provided, single submitter. Criteria: ACMG Guidelines, 2015. Collection method: research. Allele origin: germline. Affected: yes. Observed: 1 heterozygote. Segregation with disease not observed.
Comment: Classified as Uncertain significance. Supporting evidence limited to: PM2 (absent in population databases), PP3 (multiple in silico predictions support a deleterious effect, e.g., PolyPhen-2 “Probably Damaging”). However, insufficient evidence for a stronger assertion.

NM_003722.5(TP63):c.689T>A (p.Val230Asp)

Gene: TP63 (tumor protein p63; plus strand). Cytogenetic location: 3q28.
Variant type: single nucleotide variant.
Coding change: c.689T>A on transcript NM_003722.5 (MANE Select); coding-DNA position 689, T replaced by A.
Protein change: p.Val230Asp; replaces valine 230 with aspartic acid.
Molecular consequence: missense variant.
Genome position (GRCh38, 1-based): chr3:189,864,341, T>A. VCF-style: chr3-189864341-T-A. GRCh37 (hg19) VCF-style: chr3-189582130-T-A.
Other names: c.407T>A, p.Val136Asp (NM_001114981.2, NM_001114982.2, NM_001329145.2 and 2 more transcripts); c.689T>A, p.Val230Asp (NM_001329144.2, NM_001329148.2, NM_001114978.2 and 1 more transcripts); c.152T>A, p.Val51Asp (NM_001329146.2, NM_001329150.2); c.683T>A, p.Val228Asp (NM_001329964.2); short protein forms V136D, V228D, V230D, V51D.
Identifiers: ClinVar variation 4755565 (VCV004755565.1).